The following is an entry in ClinVar:

GRCh38/hg38 2q12.2(chr2:105692662-106236306)x1

Genes: ECRG4 (ECRG4 augurin precursor; plus strand), NCK2 (NCK adaptor protein 2; plus strand), UXS1 (UDP-glucuronate decarboxylase 1; minus strand), LOC114004366 (Sharpr-MPRA regulatory region 936; plus strand), LOC126806298 (CDK7 strongly-dependent group 2 enhancer GRCh37_chr2:106669310-106670509; plus strand) and 29 more. Cytogenetic location: 2q12.2.
Variant type: copy number loss.
Change: copy number 1 (one copy instead of two) of chr2:105,692,662-106,236,306 (543.6 kb, GRCh38 coordinates, 1-based), cytogenetic band 2q12.2.
Identifiers: ClinVar variation 4852101 (VCV004852101.1).

ClinVar aggregate classification (germline): Uncertain significance (1 of 4 stars; one submission).

Submission:

Clinical Genomics Laboratory, Laboratory for Precision Diagnostics, University of Washington
Classification: Uncertain significance. Last evaluated: 2022-07-22. Review status: criteria provided, single submitter. Criteria: ACMG/ClinGen CNV Guidelines, 2019. Collection method: clinical testing. Allele origin: unknown. Affected: yes. Observed: 1 variant allele.